The following is an entry in ClinVar:

ClinVar aggregate classification (germline): Uncertain significance (1 of 4 stars; one submission).

Submission:

Labcorp Genetics (formerly Invitae), Labcorp
Classification: Uncertain significance. Last evaluated: 2023-03-09. Review status: criteria provided, single submitter. Criteria: Invitae Variant Classification Sherloc (09022015). Collection method: clinical testing. Allele origin: germline.
Comment: This sequence change replaces tryptophan, which is neutral and slightly polar, with cysteine, which is neutral and slightly polar, at codon 2279 of the PRPF8 protein (p.Trp2279Cys). This variant is not present in population databases (gnomAD no frequency). This variant has not been reported in the literature in individuals affected with PRPF8-related conditions. Advanced modeling of protein sequence and biophysical properties (such as structural, functional, and spatial information, amino acid conservation, physicochemical variation, residue mobility, and thermodynamic stability) performed at Invitae indicates that this missense variant is expected to disrupt PRPF8 protein function. In summary, the available evidence is currently insufficient to determine the role of this variant in disease. Therefore, it has been classified as a Variant of Uncertain Significance.

NM_006445.4(PRPF8):c.6837G>C (p.Trp2279Cys)

Gene: PRPF8 (pre-mRNA processing factor 8; minus strand). Cytogenetic location: 17p13.3.
Variant type: single nucleotide variant.
Coding change: c.6837G>C on transcript NM_006445.4 (MANE Select); coding-DNA position 6837, G replaced by C.
Protein change: p.Trp2279Cys; replaces tryptophan 2279 with cysteine.
Molecular consequence: missense variant.
Genome position (GRCh38, 1-based): chr17:1,651,124, C>G on the plus strand (G>C on the coding strand, the complement: PRPF8 is on the minus strand). VCF-style: chr17-1651124-C-G. GRCh37 (hg19) VCF-style: chr17-1554418-C-G.
Other names: short protein forms W2279C.
Identifiers: ClinVar variation 2844426 (VCV002844426.3), dbSNP rs2151109229, ClinGen allele CA397563633.